The following is an entry in ClinVar:

NC_000005.10:g.112707465_112707471del

Gene: APC (APC regulator of Wnt signaling pathway; plus strand). Cytogenetic location: 5q22.2.
Variant type: Deletion.
Genome position: GRCh38 VCF-style: chr5-112707461-CGGGCTGT-C. GRCh37 (hg19) VCF-style: chr5-112043158-CGGGCTGT-C.
Identifiers: ClinVar variation 4724383 (VCV004724383.1).

ClinVar aggregate classification (germline): Uncertain significance (1 of 4 stars; one submission).

Conditions:
Familial adenomatous polyposis 1 (FAP1). Also called: FAMILIAL ADENOMATOUS POLYPOSIS 1, ATTENUATED; POLYPOSIS, ADENOMATOUS INTESTINAL. Identifiers: MedGen C2713442, MONDO:0021056, OMIM 175100. Disease mechanism: loss of function.

Submission:

Labcorp Genetics (formerly Invitae), Labcorp
Classification: Uncertain significance for Familial adenomatous polyposis 1. Last evaluated: 2025-07-30. Review status: criteria provided, single submitter. Criteria: Invitae Variant Classification Sherloc (09022015). Collection method: clinical testing. Allele origin: germline.
Comment: This variant occurs in a non-coding region of the APC gene. It does not change the encoded amino acid sequence of the APC protein. This variant is not present in population databases (gnomAD no frequency). This variant has not been reported in the literature in individuals affected with APC-related conditions. Experimental studies and prediction algorithms are not available or were not evaluated, and the functional significance of this variant is currently unknown. In summary, the available evidence is currently insufficient to determine the role of this variant in disease. Therefore, it has been classified as a Variant of Uncertain Significance.